The following is an entry in ClinVar:

NM_001029896.2(WDR45):c.235+1G>T

Genes: WDR45 (WD repeat domain 45; minus strand), LOC126863256 (BRD4-independent group 4 enhancer GRCh37_chrX:48934848-48936047; plus strand). Cytogenetic location: Xp11.23.
Variant type: single nucleotide variant.
Coding change: c.235+1G>T on transcript NM_001029896.2 (MANE Select); the canonical splice donor site of the intron after coding-DNA position 235, G replaced by T.
Molecular consequence: splice donor variant.
Genome position (GRCh38, 1-based): chrX:49,077,642, C>A on the plus strand (G>T on the coding strand, the complement: WDR45 is on the minus strand). VCF-style: chrX-49077642-C-A. GRCh37 (hg19) VCF-style: chrX-48935301-C-A.
Other names: c.235+1G>T (NM_007075.4).
Identifiers: ClinVar variation 4750194 (VCV004750194.1).

ClinVar aggregate classification (germline): Pathogenic (1 of 4 stars; one submission).

Conditions:
Neurodegeneration with brain iron accumulation 5 (NBIA5). Also called: STATIC ENCEPHALOPATHY OF CHILDHOOD WITH NEURODEGENERATION IN ADULTHOOD; Beta-propeller protein-associated neurodegeneration. Identifiers: Orphanet 329284, MedGen C3550973, MONDO:0010476, OMIM 300894.

Submission:

Labcorp Genetics (formerly Invitae), Labcorp
Classification: Pathogenic for Neurodegeneration with brain iron accumulation 5. Last evaluated: 2025-10-26. Review status: criteria provided, single submitter. Criteria: Invitae Variant Classification Sherloc (09022015). Collection method: clinical testing. Allele origin: germline.
Comment: This sequence change affects a donor splice site in intron 5 of the WDR45 gene. It is expected to disrupt RNA splicing. Variants that disrupt the donor or acceptor splice site typically lead to a loss of protein function (PMID: 16199547), and loss-of-function variants in WDR45 are known to be pathogenic (PMID: 23176820, 24368176, 24621584, 25744623, 26790960, 27030146, 27652284, 28554332). This variant is not present in population databases (gnomAD no frequency). Disruption of this splice site has been observed in individual(s) with WDR45-related conditions (PMID: 29682453). In at least one individual the variant was observed to be de novo. Algorithms developed to predict the effect of sequence changes on RNA splicing suggest that this variant may disrupt the consensus splice site. For these reasons, this variant has been classified as Pathogenic.

Literature cited by the submitters: PubMed 16199547; PubMed 23176820; PubMed 24368176; PubMed 24621584; PubMed 25744623; PubMed 26790960; PubMed 27030146; PubMed 27652284; PubMed 28554332; PubMed 29682453.